The following is an entry in ClinVar:

ClinVar aggregate classification (germline): Uncertain significance (1 of 4 stars; one submission).

gnomAD v4.1: 28 of 1,579,472 alleles (0.0018%); highest among the groups gnomAD compares: Admixed American, 0.0054%; no homozygotes.

Submission:

Labcorp Genetics (formerly Invitae), Labcorp
Classification: Uncertain significance. Last evaluated: 2025-12-11. Review status: criteria provided, single submitter. Criteria: Invitae Variant Classification Sherloc (09022015). Collection method: clinical testing. Allele origin: germline.
Comment: This sequence change replaces arginine, which is basic and polar, with tryptophan, which is neutral and slightly polar, at codon 1344 of the ADGRB2 protein (p.Arg1344Trp). This variant is present in population databases (no rsID available, gnomAD 0.01%). This variant has not been reported in the literature in individuals affected with ADGRB2-related conditions. An algorithm developed to predict the effect of missense changes on protein structure and function (PolyPhen-2) suggests that this variant is likely to be disruptive. In summary, the available evidence is currently insufficient to determine the role of this variant in disease. Therefore, it has been classified as a Variant of Uncertain Significance.

NM_001364857.2(ADGRB2):c.4129C>T (p.Arg1377Trp)

Gene: ADGRB2 (adhesion G protein-coupled receptor B2; minus strand). Cytogenetic location: 1p35.2.
Variant type: single nucleotide variant.
Coding change: c.4129C>T on transcript NM_001364857.2 (MANE Select); coding-DNA position 4129, C replaced by T.
Protein change: p.Arg1377Trp; replaces arginine 1377 with tryptophan.
Molecular consequence: missense variant.
Genome position (GRCh38, 1-based): chr1:31,731,051, G>A on the plus strand (C>T on the coding strand, the complement: ADGRB2 is on the minus strand). VCF-style: chr1-31731051-G-A. GRCh37 (hg19) VCF-style: chr1-32196652-G-A.
Other names: c.4129C>T, p.Arg1377Trp (NM_001294335.2); c.4030C>T, p.Arg1344Trp (NM_001294336.2); short protein forms R1344W, R1377W.
Identifiers: ClinVar variation 4696213 (VCV004696213.1).